The following is an entry in ClinVar:

NM_004172.5(SLC1A3):c.792G>A (p.Gly264=)

Genes: SLC1A3 (solute carrier family 1 member 3; plus strand), SLC1A3-AS1 (SLC1A3 antisense RNA 1; minus strand). Cytogenetic location: 5p13.2.
Variant type: single nucleotide variant.
Coding change: c.792G>A on transcript NM_004172.5 (MANE Select); coding-DNA position 792, G replaced by A.
Protein change: p.Gly264=; no amino-acid change (glycine 264 retained).
Molecular consequence: synonymous variant. On other transcripts: intron variant (1).
Genome position (GRCh38, 1-based): chr5:36,677,116, G>A. VCF-style: chr5-36677116-G-A. GRCh37 (hg19) VCF-style: chr5-36677218-G-A.
Other names: p.Gly264=; c.792G>A, p.Gly264= (NM_001166695.3); c.654G>A, p.Gly218= (NM_001289939.2); c.525-2511G>A (NM_001289940.2).
Identifiers: ClinVar variation 353315 (VCV000353315.46), dbSNP rs139659178, ClinGen allele CA3235537.

ClinVar aggregate classification (germline): Benign/Likely benign. Review status: criteria provided, multiple submitters, no conflicts (2 of 4 stars). 7 submissions from 7 submitters: Benign (5); Likely benign (2). Last evaluated 2026-09-01.

Conditions:
Episodic ataxia type 6. Identifiers: Orphanet 209967, MedGen C2675211, MONDO:0012982, OMIM 612656.

Allele frequency attached by ClinVar (database versions not stated): 1000 Genomes Project 30x 0.00250; 1000 Genomes Project 0.00260; TOPMed 0.00269; ESP Exome Variant Server 0.00315; gnomAD exomes 0.00336 and 0.00412; gnomAD 0.00383 and 0.00387; ExAC 0.00388.
gnomAD v4.1: 5,498 of 1,614,120 alleles (0.34%); highest among the groups gnomAD compares: Middle Eastern, 0.53%; 23 homozygotes.

Submissions (7):

CeGaT Center for Human Genetics Tuebingen
Classification: Likely benign. Last evaluated: 2026-09-01. Review status: criteria provided, single submitter. Criteria: CeGaT Center For Human Genetics Tuebingen Variant Classification Criteria Version 2. Collection method: clinical testing. Allele origin: germline. Affected: yes. Observed: 14 variant alleles.
Comment: SLC1A3: BP4, BP7, BS2

Labcorp Genetics (formerly Invitae), Labcorp
Classification: Benign. Last evaluated: 2026-01-12. Review status: criteria provided, single submitter. Criteria: Invitae Variant Classification Sherloc (09022015). Collection method: clinical testing. Allele origin: germline.

Blueprint Genetics
Classification: Likely benign. Last evaluated: 2024-11-08. Review status: criteria provided, single submitter. Criteria: ACMG Guidelines, 2015. Collection method: clinical testing. Allele origin: germline.

Athena Diagnostics
Classification: Benign. Last evaluated: 2024-08-07. Review status: criteria provided, single submitter. Criteria: Athena Diagnostics Criteria. Collection method: clinical testing. Allele origin: unknown.

Mayo Clinic Laboratories, Mayo Clinic
Classification: Benign. Last evaluated: 2023-10-19. Review status: criteria provided, single submitter. Criteria: ACMG Guidelines, 2015. Collection method: clinical testing. Allele origin: germline. Observed: 5 variant alleles.
Comment: BS1, BS2, BP4, BP7

Illumina Laboratory Services, Illumina
Classification: Benign for Episodic ataxia type 6. Last evaluated: 2018-01-13. Review status: criteria provided, single submitter. Criteria: ICSL Variant Classification Criteria 13 December 2019. Collection method: clinical testing. Allele origin: germline.
Comment: This variant was observed in the ICSL laboratory as part of a predisposition screen in an ostensibly healthy population. It had not been previously curated by ICSL or reported in the Human Gene Mutation Database (HGMD: prior to June 1st, 2018), and was therefore a candidate for classification through an automated scoring system. Utilizing variant allele frequency, disease prevalence and penetrance estimates, and inheritance mode, an automated score was calculated to assess if this variant is too frequent to cause the disease. Based on the score and internal cut-off values, a variant classified as benign is not then subjected to further curation. The score for this variant resulted in a classification of benign for this disease.

Breakthrough Genomics
Classification: Benign. Review status: criteria provided, single submitter. Criteria: ACMG Guidelines, 2015. Collection method: not provided. Allele origin: germline. Inheritance: Autosomal dominant inheritance. Affected: yes.